The following is an entry in ClinVar:

ClinVar aggregate classification (germline): Benign/Likely benign. Review status: criteria provided, multiple submitters, no conflicts (2 of 4 stars). 4 submissions from 4 submitters: Benign (1); Likely benign (3). Last evaluated 2025-10-16.

Conditions:
Ehlers-Danlos syndrome, classic type, 1 (EDSCL1). Also called: EHLERS-DANLOS SYNDROME, GRAVIS TYPE; EHLERS-DANLOS SYNDROME, SEVERE CLASSIC TYPE; EDS I; Ehlers-Danlos Syndrome, Classic Type, COL5A1-Related; Ehlers-Danlos syndrome, type 1. Identifiers: MedGen C0268335, MONDO:0019567, OMIM 130000.
Familial thoracic aortic aneurysm and aortic dissection (TAAD). Also called: Thoracic aortic aneurysms and dissections. Identifiers: Orphanet 91387, MedGen C4707243, MONDO:0019625.

Allele frequency attached by ClinVar (database versions not stated): gnomAD 0.00001; ExAC 0.00005; ESP Exome Variant Server 0.00008; TOPMed 0.00001; gnomAD exomes 0.00005.
gnomAD v4.1: 40 of 1,613,186 alleles (0.0025%); highest among the groups gnomAD compares: South Asian, 0.014%; no homozygotes.

Submissions (4):

Women's Health and Genetics/Laboratory Corporation of America, LabCorp
Classification: Benign. Last evaluated: 2025-10-16. Review status: criteria provided, single submitter. Criteria: LabCorp Variant Classification Summary - May 2015. Collection method: clinical testing. Allele origin: germline.

Ambry Genetics
Classification: Likely benign for Familial thoracic aortic aneurysm and aortic dissection. Last evaluated: 2025-03-18. Review status: criteria provided, single submitter. Criteria: Ambry Variant Classification Scheme 2023. Collection method: clinical testing. Allele origin: germline.

Labcorp Genetics (formerly Invitae), Labcorp
Classification: Likely benign for Ehlers-Danlos syndrome, classic type, 1. Last evaluated: 2024-10-30. Review status: criteria provided, single submitter. Criteria: Invitae Variant Classification Sherloc (09022015). Collection method: clinical testing. Allele origin: germline.

GeneDx
Classification: Likely benign. Last evaluated: 2021-06-18. Review status: criteria provided, single submitter. Criteria: GeneDx Variant Classification Process June 2021. Collection method: clinical testing. Allele origin: germline. Affected: yes.
Comment: See Variant Classification Assertion Criteria.

NM_000093.5(COL5A1):c.2502C>T (p.Pro834=)

Gene: COL5A1 (collagen type V alpha 1 chain; plus strand). Cytogenetic location: 9q34.3.
Variant type: single nucleotide variant.
Coding change: c.2502C>T on transcript NM_000093.5 (MANE Select); coding-DNA position 2502, C replaced by T.
Protein change: p.Pro834=; no amino-acid change (proline 834 retained).
Molecular consequence: synonymous variant.
Genome position (GRCh38, 1-based): chr9:134,785,006, C>T. VCF-style: chr9-134785006-C-T. GRCh37 (hg19) VCF-style: chr9-137676852-C-T.
Other names: c.2502C>T, p.Pro834= (NM_001278074.1).
Identifiers: ClinVar variation 1087047 (VCV001087047.15), dbSNP rs144775947, ClinGen allele CA5319439.